The following is an entry in ClinVar:

ClinVar aggregate classification (germline): Benign (1 of 4 stars; one submission).

Allele frequency attached by ClinVar (database versions not stated): 1000 Genomes Project 0.52980; 1000 Genomes Project 30x 0.53403; gnomAD 0.66040; TOPMed 0.62702.

Submission:

GeneDx
Classification: Benign. Last evaluated: 2018-06-14. Review status: criteria provided, single submitter. Criteria: GeneDx Variant Classification (06012015). Collection method: clinical testing. Allele origin: germline. Affected: yes.
Comment: This variant is considered likely benign or benign based on one or more of the following criteria: it is a conservative change, it occurs at a poorly conserved position in the protein, it is predicted to be benign by multiple in silico algorithms, and/or has population frequency not consistent with disease.

NM_003159.3(CDKL5):c.2981-263G>T

Genes: CDKL5 (cyclin dependent kinase like 5; plus strand), RS1 (retinoschisin 1; minus strand). Cytogenetic location: Xp22.13.
Variant type: single nucleotide variant.
Coding change: c.2981-263G>T on transcript NM_003159.3; 263 bases into the intron before coding-DNA position 2981, G replaced by T.
Molecular consequence: intron variant.
Genome position (GRCh38, 1-based): chrX:18,653,169, G>T. VCF-style: chrX-18653169-G-T. GRCh37 (hg19) VCF-style: chrX-18671289-G-T.
Other names: c.2981-263G>T (NM_001037343.2); c.184+3484C>A (NM_000330.4).
Identifiers: ClinVar variation 680508 (VCV000680508.3), dbSNP rs33958554, ClinGen allele CA327013546.